The following is an entry in ClinVar:

ClinVar aggregate classification (germline): Uncertain significance. Review status: criteria provided, multiple submitters, no conflicts (2 of 4 stars). 2 submissions from 2 submitters: Uncertain significance (2). Last evaluated 2022-08-16.

Conditions:
Inborn genetic diseases. Identifiers: MedGen C0950123, MeSH D030342.
Neuronal ceroid lipofuscinosis 11. Also called: GRN-Related Neuronal Ceroid-Lipofuscinosis. Identifiers: Orphanet 314629, Orphanet 79262, MedGen C3539123, MONDO:0013866, OMIM 614706.
GRN-related frontotemporal lobar degeneration with Tdp43 inclusions (FTD2). Also called: GRN Frontotemporal Dementia; FRONTOTEMPORAL DEMENTIA WITH TDP43 INCLUSIONS, GRN-RELATED; DEMENTIA, HEREDITARY DYSPHASIC DISINHIBITION; FRONTOTEMPORAL LOBAR DEGENERATION WITH UBIQUITIN-POSITIVE INCLUSIONS; FTLD-TDP, GRN-RELATED. Identifiers: Orphanet 100070, Orphanet 282, MedGen C1843792, MONDO:0011842, OMIM 607485. Disease mechanism: loss of function.

Allele frequency attached by ClinVar (database versions not stated): gnomAD exomes below 0.00001 and 0.00001; ExAC 0.00001; gnomAD 0.00003; TOPMed 0.00006.

Submissions (2):

Labcorp Genetics (formerly Invitae), Labcorp
Classification: Uncertain significance for Neuronal ceroid lipofuscinosis 11; GRN-related frontotemporal lobar degeneration with Tdp43 inclusions. Last evaluated: 2022-08-16. Review status: criteria provided, single submitter. Criteria: Invitae Variant Classification Sherloc (09022015). Collection method: clinical testing. Allele origin: germline.
Comment: This sequence change replaces alanine, which is neutral and non-polar, with valine, which is neutral and non-polar, at codon 276 of the GRN protein (p.Ala276Val). This variant is present in population databases (rs202178902, gnomAD 0.004%). This missense change has been observed in individual(s) with frontotemporal dementia (PMID: 20142524). ClinVar contains an entry for this variant (Variation ID: 588995). Algorithms developed to predict the effect of missense changes on protein structure and function (SIFT, PolyPhen-2, Align-GVGD) all suggest that this variant is likely to be tolerated. In summary, the available evidence is currently insufficient to determine the role of this variant in disease. Therefore, it has been classified as a Variant of Uncertain Significance.

Ambry Genetics
Classification: Uncertain significance for Inborn genetic diseases. Last evaluated: 2017-04-21. Review status: criteria provided, single submitter. Criteria: Ambry Variant Classification Scheme 2023. Collection method: clinical testing. Allele origin: germline.
Comment: The p.A276V variant (also known as c.827C>T), located in coding exon 7 of the GRN gene, results from a C to T substitution at nucleotide position 827. The alanine at codon 276 is replaced by valine, an amino acid with similar properties. This alteration was detected in an individual with frontotemporal dementia (FTD) or a FTD-related disorder (Yu CE et al. Arch. Neurol., 2010 Feb;67:161-70). This amino acid position is well conserved in available vertebrate species. In addition, this alteration is predicted to be tolerated by in silico analysis. Since supporting evidence is limited at this time, the clinical significance of this alteration remains unclear.

Literature cited by the submitters: PubMed 20142524 (cited by Labcorp Genetics (formerly Invitae), Labcorp and Ambry Genetics).

NM_002087.4(GRN):c.827C>T (p.Ala276Val)

Gene: GRN (granulin precursor; plus strand). Cytogenetic location: 17q21.31.
Variant type: single nucleotide variant.
Coding change: c.827C>T on transcript NM_002087.4 (MANE Select); coding-DNA position 827, C replaced by T.
Protein change: p.Ala276Val; replaces alanine 276 with valine.
Molecular consequence: missense variant.
Genome position (GRCh38, 1-based): chr17:44,351,155, C>T. VCF-style: chr17-44351155-C-T. GRCh37 (hg19) VCF-style: chr17-42428523-C-T.
Other names: short protein forms A276V.
Identifiers: ClinVar variation 588995 (VCV000588995.8), dbSNP rs202178902, ClinGen allele CA8602021.
Genomic context (GRCh38, chr17:44,351,155, plus strand): 5'-TCCAGAGTAAGTGCCTCTCCAAGGAGAACGCTACCACGGACCTCCTCACTAAGCTGCCTG[C>T]GCACACAGGTACCAGAGGCAGGGTGCAGATACAGGGGTGGGGCCCCCTTTCCTCCCTTTT-3'
Protein context (NP_002078.1, residues 266-286): ATTDLLTKLP[Ala276Val]HTVGDVKCDM